The following is an entry in ClinVar:

NM_000548.5(TSC2):c.4537G>A (p.Glu1513Lys)

Gene: TSC2 (TSC complex subunit 2; plus strand). Cytogenetic location: 16p13.3.
Variant type: single nucleotide variant.
Coding change: c.4537G>A on transcript NM_000548.5 (MANE Select); coding-DNA position 4537, G replaced by A.
Protein change: p.Glu1513Lys; replaces glutamic acid 1513 with lysine.
Molecular consequence: missense variant.
Genome position (GRCh38, 1-based): chr16:2,084,994, G>A. VCF-style: chr16-2084994-G-A. GRCh37 (hg19) VCF-style: chr16-2134995-G-A.
Other names: c.4336G>A, p.Glu1446Lys (NM_001077183.3); c.4468G>A, p.Glu1490Lys (NM_001114382.3); c.4228G>A, p.Glu1410Lys (NM_001318827.2); c.4192G>A, p.Glu1398Lys (NM_001318829.2); c.3805G>A, p.Glu1269Lys (NM_001318831.2); c.4369G>A, p.Glu1457Lys (NM_001318832.2); c.4339G>A, p.Glu1447Lys (NM_001363528.2); c.4405G>A, p.Glu1469Lys (NM_001370404.1); and 1 more; short protein forms E1513K, E1269K, E1398K, E1446K, E1490K, E1447K, E1469K, E1410K.
Identifiers: ClinVar variation 406004 (VCV000406004.16), dbSNP rs767449740, ClinGen allele CA051548.

ClinVar aggregate classification (germline): Conflicting classifications of pathogenicity. Review status: criteria provided, conflicting classifications (1 of 4 stars). 4 submissions from 4 submitters: Uncertain significance (2); Likely benign (2). Last evaluated 2026-10-01.

Conditions:
Tuberous sclerosis 2 (TSC2). Identifiers: Orphanet 805, MedGen C1860707, MONDO:0013199, OMIM 613254.
Hereditary cancer-predisposing syndrome. Also called: Hereditary neoplastic syndrome; Neoplastic Syndromes, Hereditary; Hereditary Cancer Syndrome; Tumor predisposition. Identifiers: Orphanet 140162, MedGen C0027672, MeSH D009386, MONDO:0015356.

Allele frequency attached by ClinVar (database versions not stated): ExAC 0.00001; gnomAD 0.00001; gnomAD exomes 0.00002; TOPMed 0.00002.
gnomAD v4.1: 24 of 1,613,104 alleles (0.0015%); highest among the groups gnomAD compares: East Asian, 0.0022%; no homozygotes.

Submissions (4):

St. Jude Molecular Pathology, St. Jude Children's Research Hospital
Classification: Uncertain significance for Tuberous sclerosis 2. Last evaluated: 2026-10-01. Review status: criteria provided, single submitter. Criteria: St. Jude Assertion Criteria 2020. Collection method: clinical testing. Allele origin: germline.
Comment: The TSC2 c.4537G>A p.(Glu1513Lys) missense change has a maximum subpopulation frequency of 0.005% in gnomAD v2.1.1. The in silico tool REVEL predicts a deleterious effect on protein function, but to our knowledge this prediction has not been confirmed by functional studies. To our knowledge, this variant has not been reported as pathogenic in individuals with tuberous sclerosis complex. In summary, the evidence currently ava ilable is insufficient to determine the clinical significance of this variant. It has therefore been classified as of uncertain significance.

Labcorp Genetics (formerly Invitae), Labcorp
Classification: Likely benign for Tuberous sclerosis 2. Last evaluated: 2025-09-03. Review status: criteria provided, single submitter. Criteria: Invitae Variant Classification Sherloc (09022015). Collection method: clinical testing. Allele origin: germline.

Quest Diagnostics Nichols Institute San Juan Capistrano
Classification: Uncertain significance. Last evaluated: 2023-10-27. Review status: criteria provided, single submitter. Criteria: Quest Diagnostics criteria. Collection method: clinical testing. Allele origin: unknown.

Ambry Genetics
Classification: Likely benign for Hereditary cancer-predisposing syndrome. Last evaluated: 2023-03-24. Review status: criteria provided, single submitter. Criteria: Ambry Variant Classification Scheme 2023. Collection method: clinical testing. Allele origin: germline.

Literature cited by the submitters: PubMed 32917966 (cited by Quest Diagnostics Nichols Institute San Juan Capistrano and Ambry Genetics).